The following is an entry in ClinVar:

ClinVar aggregate classification (germline): Likely benign. Review status: criteria provided, multiple submitters, no conflicts (2 of 4 stars). 3 submissions from 3 submitters: Likely benign (2). 1 of the submissions does not count toward it. Last evaluated 2025-11-17.

Conditions:
VPS33B-related disorder. Also called: VPS33B-related condition.

Allele frequency attached by ClinVar (database versions not stated): TOPMed 0.00002; 1000 Genomes Project 0.00020; ExAC 0.00002; gnomAD exomes 0.00006; 1000 Genomes Project 30x 0.00016; gnomAD 0.00003.
gnomAD v4.1: 88 of 1,614,242 alleles (0.0055%); highest among the groups gnomAD compares: East Asian, 0.022%; no homozygotes.

Submissions (3):

Labcorp Genetics (formerly Invitae), Labcorp
Classification: Likely benign. Last evaluated: 2025-11-17. Review status: criteria provided, single submitter. Criteria: Invitae Variant Classification Sherloc (09022015). Collection method: clinical testing. Allele origin: germline.

Women's Health and Genetics/Laboratory Corporation of America, LabCorp
Classification: Likely benign. Last evaluated: 2025-01-29. Review status: criteria provided, single submitter. Criteria: LabCorp Variant Classification Summary - May 2015. Collection method: clinical testing. Allele origin: germline.
Comment: Variant summary: VPS33B c.825G>A alters a conserved nucleotide resulting in a synonymous change. Consensus agreement among computation tools predict no significant impact on normal splicing. However, these predictions have yet to be confirmed by functional studies. The variant allele was found at a frequency of 3.6e-05 in 251414 control chromosomes. The available data on variant occurrences in the general population are insufficient to allow any conclusion about variant significance. To our knowledge, no occurrence of c.825G>A in individuals affected with VPS33B-Related Disorders and no experimental evidence demonstrating its impact on protein function have been reported. ClinVar contains an entry for this variant (Variation ID: 2986658). Based on the evidence outlined above, the variant was classified as likely benign.

PreventionGenetics, part of Exact Sciences
Classification: Likely benign for VPS33B-related condition. Last evaluated: 2023-03-08. Review status: no assertion criteria provided. Collection method: clinical testing. Allele origin: germline. Not counted in ClinVar's aggregate classification.
Comment: This variant is classified as likely benign based on ACMG/AMP sequence variant interpretation guidelines (Richards et al. 2015 PMID: 25741868, with internal and published modifications).

NM_018668.5(VPS33B):c.825G>A (p.Leu275=)

Gene: VPS33B (VPS33B late endosome and lysosome associated; minus strand). Cytogenetic location: 15q26.1.
Variant type: single nucleotide variant.
Coding change: c.825G>A on transcript NM_018668.5 (MANE Select); coding-DNA position 825, G replaced by A.
Protein change: p.Leu275=; no amino-acid change (leucine 275 retained).
Molecular consequence: synonymous variant.
Genome position (GRCh38, 1-based): chr15:91,006,399, C>T on the plus strand (G>A on the coding strand, the complement: VPS33B is on the minus strand). VCF-style: chr15-91006399-C-T. GRCh37 (hg19) VCF-style: chr15-91549629-C-T.
Other names: c.744G>A, p.Leu248= (NM_001289148.1); c.552G>A, p.Leu184= (NM_001289149.1).
Identifiers: ClinVar variation 2986658 (VCV002986658.7), dbSNP rs557447865, ClinGen allele CA7744903.
Genomic context (GRCh38, chr15:91,006,399, plus strand): 5'-AGGTGGGCCCATTGCTAGCACCCACACCCTCACCTTGTCCTCGGCATTGAGTAGCACCTT[C>T]AGGCTCTTGTCAGAGGATGTGACTTCTGGGCCAAAGTCGACACTCCCTTTGAGAGCAGAG-3'
Protein context (NP_061138.3, residues 265-285): GPEVTSSDKS[Leu275=]KVLLNAEDKV